The following is an entry in ClinVar:

ClinVar aggregate classification (germline): Uncertain significance. Review status: criteria provided, multiple submitters, no conflicts (2 of 4 stars). 2 submissions from 2 submitters: Uncertain significance (2). Last evaluated 2024-10-08.

Conditions:
Inborn genetic diseases. Identifiers: MedGen C0950123, MeSH D030342.
Leukocyte adhesion deficiency 1 (LAD1). Also called: LEUKOCYTE ADHESION DEFICIENCY, TYPE I; LAD 1; Lymphocyte function-associated antigen 1 immunodeficiency; LFA 1 immunodeficiency. Identifiers: Orphanet 2968, Orphanet 99842, MedGen C0398738, MONDO:0007293, OMIM 116920.

Allele frequency attached by ClinVar (database versions not stated): ExAC 0.00001; gnomAD 0.00003; TOPMed 0.00003; gnomAD exomes 0.00005.
gnomAD v4.1: 71 of 1,611,832 alleles (0.0044%); highest among the groups gnomAD compares: Middle Eastern, 0.017%; no homozygotes.

Submissions (2):

Labcorp Genetics (formerly Invitae), Labcorp
Classification: Uncertain significance for Leukocyte adhesion deficiency 1. Last evaluated: 2024-10-08. Review status: criteria provided, single submitter. Criteria: Invitae Variant Classification Sherloc (09022015). Collection method: clinical testing. Allele origin: germline.
Comment: This sequence change replaces arginine, which is basic and polar, with tryptophan, which is neutral and slightly polar, at codon 65 of the ITGB2 protein (p.Arg65Trp). This variant is present in population databases (rs765270725, gnomAD 0.007%). This variant has not been reported in the literature in individuals affected with ITGB2-related conditions. ClinVar contains an entry for this variant (Variation ID: 2139458). Invitae Evidence Modeling of protein sequence and biophysical properties (such as structural, functional, and spatial information, amino acid conservation, physicochemical variation, residue mobility, and thermodynamic stability) has been performed for this missense variant. However, the output from this modeling did not meet the statistical confidence thresholds required to predict the impact of this variant on ITGB2 protein function. In summary, the available evidence is currently insufficient to determine the role of this variant in disease. Therefore, it has been classified as a Variant of Uncertain Significance.

Ambry Genetics
Classification: Uncertain significance for Inborn genetic diseases. Last evaluated: 2024-08-19. Review status: criteria provided, single submitter. Criteria: Ambry Variant Classification Scheme 2023. Collection method: clinical testing. Allele origin: germline.

NM_000211.5(ITGB2):c.193C>T (p.Arg65Trp)

Gene: ITGB2 (integrin subunit beta 2; minus strand). Cytogenetic location: 21q22.3.
Variant type: single nucleotide variant.
Coding change: c.193C>T on transcript NM_000211.5 (MANE Select); coding-DNA position 193, C replaced by T.
Protein change: p.Arg65Trp; replaces arginine 65 with tryptophan.
Molecular consequence: missense variant. On other transcripts: 5 prime UTR variant (1).
Genome position (GRCh38, 1-based): chr21:44,907,050, G>A on the plus strand (C>T on the coding strand, the complement: ITGB2 is on the minus strand). VCF-style: chr21-44907050-G-A. GRCh37 (hg19) VCF-style: chr21-46326965-G-A.
Other names: c.193C>T, p.Arg65Trp (NM_001127491.3); c.-15C>T (NM_001303238.2); short protein forms R65W.
Identifiers: ClinVar variation 2139458 (VCV002139458.4), dbSNP rs765270725, ClinGen allele CA10063298.